The following is an entry in ClinVar:

NM_001430.5(EPAS1):c.2464A>G (p.Met822Val)

Gene: EPAS1 (endothelial PAS domain protein 1; plus strand). Cytogenetic location: 2p21.
Variant type: single nucleotide variant.
Coding change: c.2464A>G on transcript NM_001430.5 (MANE Select); coding-DNA position 2464, A replaced by G.
Protein change: p.Met822Val; replaces methionine 822 with valine.
Molecular consequence: missense variant.
Genome position (GRCh38, 1-based): chr2:46,384,511, A>G. VCF-style: chr2-46384511-A-G. GRCh37 (hg19) VCF-style: chr2-46611650-A-G.
Other names: short protein forms M822V.
Identifiers: ClinVar variation 2562012 (VCV002562012.2), dbSNP rs772701268, ClinGen allele CA1645375.

ClinVar aggregate classification (germline): Uncertain significance (1 of 4 stars; one submission).

Conditions:
Inborn genetic diseases. Identifiers: MedGen C0950123, MeSH D030342.

Allele frequency attached by ClinVar (database versions not stated): gnomAD 0.00001; gnomAD exomes 0.00001; ExAC 0.00005.
gnomAD v4.1: 16 of 1,614,088 alleles (0.00099%); highest among the groups gnomAD compares: Middle Eastern, 0.016%; no homozygotes.

Submission:

Ambry Genetics
Classification: Uncertain significance for Inborn genetic diseases. Last evaluated: 2023-04-22. Review status: criteria provided, single submitter. Criteria: Ambry Variant Classification Scheme 2023. Collection method: clinical testing. Allele origin: germline.
Comment: The p.M822V variant (also known as c.2464A>G), located in coding exon 16 of the EPAS1 gene, results from an A to G substitution at nucleotide position 2464. The methionine at codon 822 is replaced by valine, an amino acid with highly similar properties. This amino acid position is conserved. In addition, this alteration is predicted to be tolerated by in silico analysis. Since supporting evidence is limited at this time, the clinical significance of this alteration remains unclear.